The following is an entry in ClinVar:

ClinVar aggregate classification (germline): Likely pathogenic (1 of 4 stars; one submission).

Conditions:
Multiple acyl-CoA dehydrogenase deficiency (MADD). Also called: Glutaric aciduria, type 2; Glutaric acidemia type II; GA 2; ETHYLMALONIC-ADIPICACIDURIA; GA II; Glutaric Acidemia type 2. Identifiers: Orphanet 26791, MedGen C0268596, MONDO:0009282, OMIM 231680.

Submission:

Labcorp Genetics (formerly Invitae), Labcorp
Classification: Likely pathogenic for Multiple acyl-CoA dehydrogenase deficiency. Last evaluated: 2023-03-03. Review status: criteria provided, single submitter. Criteria: Invitae Variant Classification Sherloc (09022015). Collection method: clinical testing. Allele origin: germline.
Comment: This variant is not present in population databases (gnomAD no frequency). This sequence change affects an acceptor splice site in intron 2 of the ETFDH gene. It is expected to disrupt RNA splicing. Variants that disrupt the donor or acceptor splice site typically lead to a loss of protein function (PMID: 16199547), and loss-of-function variants in ETFDH are known to be pathogenic (PMID: 16510302, 23785301). In summary, the currently available evidence indicates that the variant is pathogenic, but additional data are needed to prove that conclusively. Therefore, this variant has been classified as Likely Pathogenic. Algorithms developed to predict the effect of sequence changes on RNA splicing suggest that this variant may disrupt the consensus splice site. Disruption of this splice site has been observed in individual(s) with multiple Acyl-CoA dehydrogenase deficiency (PMID: 30681493).

Literature cited by the submitters: PubMed 16199547; PubMed 16510302; PubMed 23785301; PubMed 30681493.

NM_004453.4(ETFDH):c.176-1G>A

Gene: ETFDH (electron transfer flavoprotein dehydrogenase; plus strand). Cytogenetic location: 4q32.1.
Variant type: single nucleotide variant.
Coding change: c.176-1G>A on transcript NM_004453.4 (MANE Select); the canonical splice acceptor site of the intron before coding-DNA position 176, G replaced by A.
Molecular consequence: splice acceptor variant. On other transcripts: 5 prime UTR variant (1).
Genome position (GRCh38, 1-based): chr4:158,682,194, G>A. VCF-style: chr4-158682194-G-A. GRCh37 (hg19) VCF-style: chr4-159603346-G-A.
Other names: c.-9G>A (NM_001281738.1); c.35-1G>A (NM_001281737.2).
Identifiers: ClinVar variation 2842483 (VCV002842483.3), dbSNP rs2479080011, ClinGen allele CA358573726.